The following is an entry in ClinVar:

NM_198075.4(LRRC56):c.432C>T (p.Tyr144=)

Gene: LRRC56 (leucine rich repeat containing 56; plus strand). Cytogenetic location: 11p15.5.
Variant type: single nucleotide variant.
Coding change: c.432C>T on transcript NM_198075.4 (MANE Select); coding-DNA position 432, C replaced by T.
Protein change: p.Tyr144=; no amino-acid change (tyrosine 144 retained).
Molecular consequence: synonymous variant.
Genome position (GRCh38, 1-based): chr11:550,080, C>T. VCF-style: chr11-550080-C-T. GRCh37 (hg19) VCF-style: chr11-550080-C-T.
Identifiers: ClinVar variation 1599573 (VCV001599573.32), dbSNP rs140852130, ClinGen allele CA5779707.
Genomic context (GRCh38, chr11:550,080, plus strand): 5'-TGGGGAGGCCTGGGCTGGGCCGGGCCCTGGCTCAGAGCCCCGCGCTGCCCAGGAACTCTA[C>T]GCCTCCTACAACAACATCTCGGACCTGAGCCCACTGTGCCTGCTGGAACAATTGGAGGTG-3'
Protein context (NP_932341.1, residues 134-154): IASLPALKEL[Tyr144=]ASYNNISDLS

ClinVar aggregate classification (germline): Benign/Likely benign. Review status: criteria provided, multiple submitters, no conflicts (2 of 4 stars). 2 submissions from 2 submitters: Benign (1); Likely benign (1). Last evaluated 2026-01-14.

Allele frequency attached by ClinVar (database versions not stated): gnomAD exomes 0.00018 and 0.00051; ExAC 0.00066; ESP Exome Variant Server 0.00200; gnomAD 0.00222 and 0.00237; TOPMed 0.00254; 1000 Genomes Project 0.00300; 1000 Genomes Project 30x 0.00406.
gnomAD v4.1: 605 of 1,612,126 alleles (0.038%); highest among the groups gnomAD compares: African/African-American, 0.72%; 3 homozygotes.

Submissions (2):

Labcorp Genetics (formerly Invitae), Labcorp
Classification: Benign. Last evaluated: 2026-01-14. Review status: criteria provided, single submitter. Criteria: Invitae Variant Classification Sherloc (09022015). Collection method: clinical testing. Allele origin: germline.

CeGaT Center for Human Genetics Tuebingen
Classification: Likely benign. Last evaluated: 2022-04-01. Review status: criteria provided, single submitter. Criteria: CeGaT Center For Human Genetics Tuebingen Variant Classification Criteria Version 2. Collection method: clinical testing. Allele origin: germline. Affected: yes. Observed: 1 variant allele.
Comment: LRRC56: BP4, BP7